The following is an entry in ClinVar:

ClinVar aggregate classification (germline): Uncertain significance (1 of 4 stars; one submission).

Allele frequency attached by ClinVar (database versions not stated): TOPMed below 0.00001; gnomAD 0.00001.
gnomAD v4.1: 1 of 1,612,156 alleles (0.000062%); highest among the groups gnomAD compares: Non-Finnish European, 0.000085%; no homozygotes.

Submission:

Labcorp Genetics (formerly Invitae), Labcorp
Classification: Uncertain significance. Last evaluated: 2023-06-25. Review status: criteria provided, single submitter. Criteria: Invitae Variant Classification Sherloc (09022015). Collection method: clinical testing. Allele origin: germline.
Comment: In summary, the available evidence is currently insufficient to determine the role of this variant in disease. Therefore, it has been classified as a Variant of Uncertain Significance. Advanced modeling of protein sequence and biophysical properties (such as structural, functional, and spatial information, amino acid conservation, physicochemical variation, residue mobility, and thermodynamic stability) performed at Invitae indicates that this missense variant is not expected to disrupt COL7A1 protein function. This variant has not been reported in the literature in individuals affected with COL7A1-related conditions. The frequency data for this variant in the population databases is considered unreliable, as metrics indicate poor data quality at this position in the gnomAD database. This sequence change replaces alanine, which is neutral and non-polar, with serine, which is neutral and polar, at codon 765 of the COL7A1 protein (p.Ala765Ser).

NM_000094.4(COL7A1):c.2293G>T (p.Ala765Ser)

Gene: COL7A1 (collagen type VII alpha 1 chain; minus strand). Cytogenetic location: 3p21.31.
Variant type: single nucleotide variant.
Coding change: c.2293G>T on transcript NM_000094.4 (MANE Select); coding-DNA position 2293, G replaced by T.
Protein change: p.Ala765Ser; replaces alanine 765 with serine.
Molecular consequence: missense variant.
Genome position (GRCh38, 1-based): chr3:48,589,348, C>A on the plus strand (G>T on the coding strand, the complement: COL7A1 is on the minus strand). VCF-style: chr3-48589348-C-A. GRCh37 (hg19) VCF-style: chr3-48626781-C-A.
Other names: short protein forms A765S.
Identifiers: ClinVar variation 2984576 (VCV002984576.3), dbSNP rs1398912552, ClinGen allele CA352723729.